The following is an entry in ClinVar:

NM_006397.3(RNASEH2A):c.762-14C>G

Gene: RNASEH2A (ribonuclease H2 subunit A; plus strand). Cytogenetic location: 19p13.13.
Variant type: single nucleotide variant.
Coding change: c.762-14C>G on transcript NM_006397.3 (MANE Select); 14 bases into the intron before coding-DNA position 762, C replaced by G.
Molecular consequence: intron variant.
Genome position (GRCh38, 1-based): chr19:12,813,314, C>G. VCF-style: chr19-12813314-C-G. GRCh37 (hg19) VCF-style: chr19-12924128-C-G.
Identifiers: ClinVar variation 1377886 (VCV001377886.5), dbSNP rs1297237306, ClinGen allele CA632120902.

ClinVar aggregate classification (germline): Uncertain significance (1 of 4 stars; one submission).

Conditions:
Aicardi-Goutieres syndrome 4. Identifiers: Orphanet 51, MedGen C1835912, MONDO:0012472, OMIM 610333.

Allele frequency attached by ClinVar (database versions not stated): gnomAD exomes below 0.00001.
gnomAD v4.1: 1 of 1,614,142 alleles (0.000062%); no homozygotes.

Submission:

Labcorp Genetics (formerly Invitae), Labcorp
Classification: Uncertain significance for Aicardi-Goutieres syndrome 4. Last evaluated: 2022-06-27. Review status: criteria provided, single submitter. Criteria: Invitae Variant Classification Sherloc (09022015). Collection method: clinical testing. Allele origin: germline.
Comment: This sequence change falls in intron 7 of the RNASEH2A gene. It does not directly change the encoded amino acid sequence of the RNASEH2A protein. This variant is present in population databases (no rsID available, gnomAD 0.006%). This variant has not been reported in the literature in individuals affected with RNASEH2A-related conditions. Algorithms developed to predict the effect of sequence changes on RNA splicing suggest that this variant may create or strengthen a splice site. In summary, the available evidence is currently insufficient to determine the role of this variant in disease. Therefore, it has been classified as a Variant of Uncertain Significance.